The following is an entry in ClinVar:

NM_015221.4(DNMBP):c.2883C>T (p.Asn961=)

Gene: DNMBP (dynamin binding protein; minus strand). Cytogenetic location: 10q24.2.
Variant type: single nucleotide variant.
Coding change: c.2883C>T on transcript NM_015221.4 (MANE Select); coding-DNA position 2883, C replaced by T.
Protein change: p.Asn961=; no amino-acid change (asparagine 961 retained).
Molecular consequence: synonymous variant.
Genome position (GRCh38, 1-based): chr10:99,898,123, G>A on the plus strand (C>T on the coding strand, the complement: DNMBP is on the minus strand). VCF-style: chr10-99898123-G-A. GRCh37 (hg19) VCF-style: chr10-101657880-G-A.
Other names: c.2883C>T (NM_015221.3); c.1779C>T, p.Asn593= (NM_001318326.2); c.621C>T, p.Asn207= (NM_001318327.2).
Identifiers: ClinVar variation 1255523 (VCV001255523.6), dbSNP rs7919323, ClinGen allele CA5644755.

ClinVar aggregate classification (germline): Benign. Review status: criteria provided, multiple submitters, no conflicts (2 of 4 stars). 3 submissions from 3 submitters: Benign (2). 1 of the submissions does not count toward it. Last evaluated 2021-07-30.

Conditions:
DNMBP-related disorder. Also called: DNMBP-related condition.
Cataract 48. Identifiers: MedGen C5193082, MONDO:0032735, OMIM 618415.

Allele frequency attached by ClinVar (database versions not stated): 1000 Genomes Project 0.27456; 1000 Genomes Project 30x 0.27764; TOPMed 0.31034; gnomAD 0.31410 and 0.31478; ESP Exome Variant Server 0.32385; gnomAD exomes 0.34471 and 0.37579; ExAC 0.34545.
gnomAD v4.1: 596,147 of 1,613,010 alleles (37%); highest among the groups gnomAD compares: Non-Finnish European, 39%; 112,982 homozygotes.

Submissions (3):

Genome-Nilou Lab
Classification: Benign for Cataract 48. Last evaluated: 2021-07-30. Review status: criteria provided, single submitter. Criteria: ACMG Guidelines, 2015. Collection method: clinical testing. Allele origin: germline. Affected: no.

Breakthrough Genomics
Classification: Benign. Review status: criteria provided, single submitter. Criteria: ACMG Guidelines, 2015. Collection method: not provided. Allele origin: germline. Inheritance: Autosomal recessive inheritance. Affected: yes.

PreventionGenetics, part of Exact Sciences
Classification: Benign for DNMBP-related condition. Last evaluated: 2019-10-21. Review status: no assertion criteria provided. Collection method: clinical testing. Allele origin: germline. Not counted in ClinVar's aggregate classification.
Comment: This variant is classified as benign based on ACMG/AMP sequence variant interpretation guidelines (Richards et al. 2015 PMID: 25741868, with internal and published modifications).